The following is an entry in ClinVar:

NM_000222.3(KIT):c.2212A>G (p.Lys738Glu)

Gene: KIT (KIT proto-oncogene, receptor tyrosine kinase; plus strand). Cytogenetic location: 4q12.
Variant type: single nucleotide variant.
Coding change: c.2212A>G on transcript NM_000222.3 (MANE Select); coding-DNA position 2212, A replaced by G.
Protein change: p.Lys738Glu; replaces lysine 738 with glutamic acid.
Molecular consequence: missense variant.
Genome position (GRCh38, 1-based): chr4:54,731,398, A>G. VCF-style: chr4-54731398-A-G. GRCh37 (hg19) VCF-style: chr4-55597564-A-G.
Other names: c.2200A>G, p.Lys734Glu (NM_001093772.2, NM_001385292.1); c.2215A>G, p.Lys739Glu (NM_001385284.1); c.2209A>G, p.Lys737Glu (NM_001385285.1); c.2197A>G, p.Lys733Glu (NM_001385286.1); c.2203A>G, p.Lys735Glu (NM_001385288.1); c.2212A>G, p.Lys738Glu (NM_001385290.1); short protein forms K733E, K735E, K739E, K734E, K738E, K737E.
Identifiers: ClinVar variation 4043743 (VCV004043743.1).

ClinVar aggregate classification (germline): Uncertain significance (1 of 4 stars; one submission).

Conditions:
Hereditary cancer-predisposing syndrome. Also called: Neoplastic Syndromes, Hereditary; Tumor predisposition; Hereditary neoplastic syndrome; Hereditary Cancer Syndrome. Identifiers: Orphanet 140162, MedGen C0027672, MeSH D009386, MONDO:0015356.

Submission:

Ambry Genetics
Classification: Uncertain significance for Hereditary cancer-predisposing syndrome. Last evaluated: 2025-04-25. Review status: criteria provided, single submitter. Criteria: Ambry Variant Classification Scheme 2023. Collection method: clinical testing. Allele origin: germline.
Comment: The p.K738E variant (also known as c.2212A>G), located in coding exon 15 of the KIT gene, results from an A to G substitution at nucleotide position 2212. The lysine at codon 738 is replaced by glutamic acid, an amino acid with similar properties. This amino acid position is well conserved in available vertebrate species. In addition, this alteration is predicted to be tolerated by in silico analysis. Based on the available evidence, the clinical significance of this variant remains unclear.